The following is an entry in ClinVar:

NM_004415.4(DSP):c.4552_4553del (p.Asn1518fs)

Gene: DSP (desmoplakin; plus strand). Cytogenetic location: 6p24.3.
Variant type: Deletion.
Coding change: c.4552_4553del on transcript NM_004415.4 (MANE Select); coding-DNA positions 4552 to 4553, 2 bases deleted (AA; older notation c.4552_4553delAA).
Protein change: p.Asn1518fs; shifts the reading frame from asparagine 1518.
Molecular consequence: frameshift variant. On other transcripts: intron variant (2).
Genome position (GRCh38, 1-based): chr6:7,580,742-7,580,743, AA deleted; deleting any 2 consecutive bases within chr6:7,580,741-7,580,743 gives the same sequence; the c. name uses the placement nearest the transcript's 3' end. VCF-style (leftmost placement, unchanged base first): chr6-7580740-CAA-C. GRCh37 (hg19) VCF-style: chr6-7580973-CAA-C.
Other names: c.4050+502_4050+503del (NM_001319034.2); c.3582+970_3582+971del (NM_001008844.3); short protein forms N1518fs.
Identifiers: ClinVar variation 2775312 (VCV002775312.2), dbSNP rs2533929133, ClinGen allele CA2697546621.

ClinVar aggregate classification (germline): Pathogenic (1 of 4 stars; one submission).

Conditions:
Cardiomyopathy (CMYO). Also called: Cardiomyopathies. Identifiers: Orphanet 167848, MedGen C0878544, MONDO:0004994, HP:0001638. Inheritance: Various modes of inheritance.

Submission:

Color Diagnostics, LLC DBA Color Health
Classification: Pathogenic for Cardiomyopathy. Last evaluated: 2023-09-19. Review status: criteria provided, single submitter. Criteria: ACMG Guidelines, 2015. Collection method: clinical testing. Allele origin: germline.
Comment: This variant deletes 2 nucleotides in exon 23 of the DSP gene, creating a frameshift and premature translation stop signal. This variant is expected to result in an absent or non-functional protein product. To our knowledge, this variant has not been reported in individuals affected with DSP-related disorders in the literature. This variant has not been identified in the general population by the Genome Aggregation Database (gnomAD). Loss of DSP function is a known mechanism of disease. Based on the available evidence, this variant is classified as Pathogenic.